The following is an entry in ClinVar:

NM_002109.6(HARS1):c.1152dup (p.Gly385fs)

Gene: HARS1 (histidyl-tRNA synthetase 1; minus strand). Cytogenetic location: 5q31.3.
Variant type: Duplication.
Coding change: c.1152dup on transcript NM_002109.6 (MANE Select); coding-DNA position 1152, one base duplicated (T; older notation c.1152dupT).
Protein change: p.Gly385fs; shifts the reading frame from glycine 385.
Molecular consequence: frameshift variant.
Genome position (GRCh38, 1-based): chr5:140,676,696, A duplicated on the plus strand (T on the coding strand, the reverse complement: HARS1 is on the minus strand); the first of 2 consecutive A bases (chr5:140,676,696-140,676,697); duplicating either gives the same sequence. VCF-style (leftmost placement, unchanged base first): chr5-140676695-C-CA. GRCh37 (hg19) VCF-style: chr5-140056280-C-CA.
Other names: c.1032dup, p.Gly345fs (NM_001258040.3); c.1092dup, p.Gly365fs (NM_001258041.3); c.972dup, p.Gly325fs (NM_001258042.3); c.930dup, p.Gly311fs (NM_001289092.2); c.810dup, p.Gly271fs (NM_001289093.2); c.1065dup, p.Gly356fs (NM_001289094.2); short protein forms G271fs, G311fs, G325fs, G345fs, G356fs, G365fs, G385fs.
Identifiers: ClinVar variation 3624312 (VCV003624312.2).

ClinVar aggregate classification (germline): Uncertain significance (1 of 4 stars; one submission).

Conditions:
Usher syndrome type 3B. Also called: USHER SYNDROME, TYPE IIIB. Identifiers: MedGen C3281066, MONDO:0013788, OMIM 614504.

Submission:

Labcorp Genetics (formerly Invitae), Labcorp
Classification: Uncertain significance for Usher syndrome type 3B. Last evaluated: 2024-01-28. Review status: criteria provided, single submitter. Criteria: Invitae Variant Classification Sherloc (09022015). Collection method: clinical testing. Allele origin: germline.
Comment: This sequence change creates a premature translational stop signal (p.Gly385Trpfs*55) in the HARS gene. It is expected to result in an absent or disrupted protein product. However, the current clinical and genetic evidence is not sufficient to establish whether loss-of-function variants in HARS cause disease. This variant is not present in population databases (gnomAD no frequency). This variant has not been reported in the literature in individuals affected with HARS-related conditions. In summary, the available evidence is currently insufficient to determine the role of this variant in disease. Therefore, it has been classified as a Variant of Uncertain Significance.